The following is an entry in ClinVar:

NM_139276.3(STAT3):c.639G>A (p.Met213Ile)

Gene: STAT3 (signal transducer and activator of transcription 3; minus strand). Cytogenetic location: 17q21.2.
Variant type: single nucleotide variant.
Coding change: c.639G>A on transcript NM_139276.3 (MANE Select); coding-DNA position 639, G replaced by A.
Protein change: p.Met213Ile; replaces methionine 213 with isoleucine.
Molecular consequence: missense variant.
Genome position (GRCh38, 1-based): chr17:42,337,769, C>T on the plus strand (G>A on the coding strand, the complement: STAT3 is on the minus strand). VCF-style: chr17-42337769-C-T. GRCh37 (hg19) VCF-style: chr17-40489787-C-T.
Other names: c.639G>A, p.Met213Ile (NM_001369512.1, NM_001369513.1, NM_001369514.1 and 15 more transcripts); c.561G>A, p.Met187Ile (NM_001384985.1); c.543G>A, p.Met181Ile (NM_001384989.1); short protein forms M181I, M187I, M213I.
Identifiers: ClinVar variation 4686476 (VCV004686476.1).

ClinVar aggregate classification (germline): Uncertain significance (1 of 4 stars; one submission).

Submission:

GeneDx
Classification: Uncertain significance. Last evaluated: 2025-07-16. Review status: criteria provided, single submitter. Criteria: GeneDx Variant Classification Process June 2021. Collection method: clinical testing. Allele origin: germline. Affected: yes.
Comment: Not observed at significant frequency in large population cohorts (gnomAD); In silico analysis suggests that this missense variant does not alter protein structure/function; Has not been previously published as pathogenic or benign to our knowledge; This variant is associated with the following publications: (PMID: 17676033, 18602572)